The following is an entry in ClinVar:

ClinVar aggregate classification (germline): Conflicting classifications of pathogenicity. Review status: criteria provided, conflicting classifications (1 of 4 stars). 3 submissions from 3 submitters: Uncertain significance (1); Likely benign (2). Last evaluated 2026-01-23.

Conditions:
Inborn genetic diseases. Identifiers: MedGen C0950123, MeSH D030342.
Fanconi anemia (FA). Also called: Fanconi's anemia. Identifiers: Orphanet 84, MedGen C0015625, MeSH D005199, MONDO:0019391.

Allele frequency attached by ClinVar (database versions not stated): gnomAD 0.00005; gnomAD exomes 0.00007 and 0.00012; ExAC 0.00014.
gnomAD v4.1: 109 of 1,614,062 alleles (0.0068%); highest among the groups gnomAD compares: South Asian, 0.12%; 1 homozygote.

Submissions (3):

Labcorp Genetics (formerly Invitae), Labcorp
Classification: Likely benign for Fanconi anemia. Last evaluated: 2026-01-23. Review status: criteria provided, single submitter. Criteria: Invitae Variant Classification Sherloc (09022015). Collection method: clinical testing. Allele origin: germline.

Ambry Genetics
Classification: Likely benign for Inborn genetic diseases. Last evaluated: 2024-11-26. Review status: criteria provided, single submitter. Criteria: Ambry Variant Classification Scheme 2023. Collection method: clinical testing. Allele origin: germline.

Women's Health and Genetics/Laboratory Corporation of America, LabCorp
Classification: Uncertain significance. Last evaluated: 2022-02-18. Review status: criteria provided, single submitter. Criteria: LabCorp Variant Classification Summary - May 2015. Collection method: clinical testing. Allele origin: germline.
Comment: Variant summary: FANCA c.1640C>T (p.Ala547Val) results in a non-conservative amino acid change in the encoded protein sequence. Five of five in-silico tools predict a damaging effect of the variant on protein function. The variant allele was found at a frequency of 0.00012 in 250968 control chromosomes, predominantly at a frequency of 0.00095 within the South Asian subpopulation in the gnomAD database. This frequency is not significantly higher than expected for a pathogenic variant in FANCA causing Fanconi Anemia (0.00012 vs 0.0022), allowing no conclusion about variant significance. To our knowledge, no occurrence of c.1640C>T in individuals affected with Fanconi Anemia and no experimental evidence demonstrating its impact on protein function have been reported. No clinical diagnostic laboratories have submitted clinical-significance assessments for this variant to ClinVar after 2014. Based on the evidence outlined above, the variant was classified as uncertain significance.

NM_000135.4(FANCA):c.1640C>T (p.Ala547Val)

Gene: FANCA (FA complementation group A; minus strand). Cytogenetic location: 16q24.3.
Variant type: single nucleotide variant.
Coding change: c.1640C>T on transcript NM_000135.4 (MANE Select); coding-DNA position 1640, C replaced by T.
Protein change: p.Ala547Val; replaces alanine 547 with valine.
Molecular consequence: missense variant.
Genome position (GRCh38, 1-based): chr16:89,779,944, G>A on the plus strand (C>T on the coding strand, the complement: FANCA is on the minus strand). VCF-style: chr16-89779944-G-A. GRCh37 (hg19) VCF-style: chr16-89846352-G-A.
Other names: c.1640C>T, p.Ala547Val (NM_001286167.3); short protein forms A547V.
Identifiers: ClinVar variation 1343430 (VCV001343430.7), dbSNP rs550821697, ClinGen allele CA8252183.